The following is an entry in ClinVar:

NM_000062.3(SERPING1):c.1196C>A (p.Pro399His)

Gene: SERPING1 (serpin family G member 1; plus strand). Cytogenetic location: 11q12.1.
Variant type: single nucleotide variant.
Coding change: c.1196C>A on transcript NM_000062.3 (MANE Select); coding-DNA position 1196, C replaced by A.
Protein change: p.Pro399His; replaces proline 399 with histidine.
Molecular consequence: missense variant.
Genome position (GRCh38, 1-based): chr11:57,611,883, C>A. VCF-style: chr11-57611883-C-A. GRCh37 (hg19) VCF-style: chr11-57379356-C-A.
Other names: c.1196C>A, p.Pro399His (NM_001032295.2); short protein forms P399H.
Identifiers: ClinVar variation 2780213 (VCV002780213.3), dbSNP rs2135324770, ClinGen allele CA380703347.

ClinVar aggregate classification (germline): Uncertain significance (1 of 4 stars; one submission).

Submission:

Labcorp Genetics (formerly Invitae), Labcorp
Classification: Uncertain significance. Last evaluated: 2024-01-22. Review status: criteria provided, single submitter. Criteria: Invitae Variant Classification Sherloc (09022015). Collection method: clinical testing. Allele origin: germline.
Comment: This sequence change replaces proline, which is neutral and non-polar, with histidine, which is basic and polar, at codon 399 of the SERPING1 protein (p.Pro399His). This variant is not present in population databases (gnomAD no frequency). This missense change has been observed in individual(s) with hereditary angioedema (PMID: 32896191). Advanced modeling of protein sequence and biophysical properties (such as structural, functional, and spatial information, amino acid conservation, physicochemical variation, residue mobility, and thermodynamic stability) performed at Invitae indicates that this missense variant is expected to disrupt SERPING1 protein function with a positive predictive value of 80%. This variant disrupts the p.Pro399 amino acid residue in SERPING1. Other variant(s) that disrupt this residue have been determined to be pathogenic (PMID: 15971231, 18758157, 21864911). This suggests that this residue is clinically significant, and that variants that disrupt this residue are likely to be disease-causing. In summary, the available evidence is currently insufficient to determine the role of this variant in disease. Therefore, it has been classified as a Variant of Uncertain Significance.

Literature cited by the submitters: PubMed 32896191; PubMed 15971231; PubMed 18758157; PubMed 21864911.